The following is an entry in ClinVar:

NM_000384.3(APOB):c.149G>A (p.Arg50Gln)

Genes: APOB (apolipoprotein B; minus strand), LOC106560211 (APOB 5' regulatory region; plus strand). Cytogenetic location: 2p24.1.
Variant type: single nucleotide variant.
Coding change: c.149G>A on transcript NM_000384.3 (MANE Select); coding-DNA position 149, G replaced by A.
Protein change: p.Arg50Gln; replaces arginine 50 with glutamine.
Molecular consequence: missense variant.
Genome position (GRCh38, 1-based): chr2:21,042,449, C>T on the plus strand (G>A on the coding strand, the complement: APOB is on the minus strand). VCF-style: chr2-21042449-C-T. GRCh37 (hg19) VCF-style: chr2-21265321-C-T.
Other names: short protein forms R50Q.
Identifiers: ClinVar variation 684875 (VCV000684875.11), dbSNP rs1465696669, ClinGen allele CA345965244.

ClinVar aggregate classification (germline): Conflicting classifications of pathogenicity. Review status: criteria provided, conflicting classifications (1 of 4 stars). 6 submissions from 6 submitters: Pathogenic (1); Likely pathogenic (3); Uncertain significance (2). Last evaluated 2025-07-23.

Conditions:
Familial hypobetalipoproteinemia 1. Also called: Hypobetalipoproteinemia, normotriglyceridemic; Acanthocytosis with hypobetalipoproteinemia; APOB-Related Familial Hypobetalipoproteinemia. Identifiers: MedGen C4551990, MONDO:0014252, OMIM 615558.
Hypercholesterolemia, autosomal dominant, type B (FHCL2). Also called: Familial Hypercholesterolemia Type B; APOLIPOPROTEIN B-100, FAMILIAL DEFECTIVE; APOLIPOPROTEIN B-100, FAMILIAL LIGAND-DEFECTIVE; Hyperlipoproteinemia Type IIb; HYPERCHOLESTEROLEMIA, FAMILIAL, DUE TO LIGAND-DEFECTIVE APOLIPOPROTEIN B; APOB-Related Familial Hypercholesterolemia, Autosomal Dominant. Identifiers: MedGen C1704417, MONDO:0007751, OMIM 144010.
Familial hypercholesterolemia. Also called: Familial hypercholesterolemias; Familial hypercholesterolaemia. Identifiers: MedGen C0020445, MONDO:0005439.
Cardiovascular phenotype. Identifiers: MedGen CN230736.
APOB-related disorder. Also called: APOB-related condition; APOB-related disorders.

Allele frequency attached by ClinVar (database versions not stated): TOPMed below 0.00001.
gnomAD v4.1: 4 of 1,614,074 alleles (0.00025%); highest among the groups gnomAD compares: Admixed American, 0.0017%; no homozygotes.

Submissions (6):

Labcorp Genetics (formerly Invitae), Labcorp
Classification: Likely pathogenic for Familial hypobetalipoproteinemia 1; Hypercholesterolemia, autosomal dominant, type B. Last evaluated: 2025-07-23. Review status: criteria provided, single submitter. Criteria: Invitae Variant Classification Sherloc (09022015). Collection method: clinical testing. Allele origin: germline.
Comment: This sequence change replaces arginine, which is basic and polar, with glutamine, which is neutral and polar, at codon 50 of the APOB protein (p.Arg50Gln). This variant is not present in population databases (gnomAD no frequency). This missense change has been observed in individuals with clinical features of hypercholesterolemia (PMID: 29386597; internal data). It has also been observed to segregate with disease in related individuals. ClinVar contains an entry for this variant (Variation ID: 684875). Invitae Evidence Modeling of protein sequence and biophysical properties (such as structural, functional, and spatial information, amino acid conservation, physicochemical variation, residue mobility, and thermodynamic stability) indicates that this missense variant is not expected to disrupt APOB protein function with a negative predictive value of 95%. This variant disrupts the p.Arg50 amino acid residue in APOB. Other variant(s) that disrupt this residue have been determined to be pathogenic (PMID: 24498611; internal data). This suggests that this residue is clinically significant, and that variants that disrupt this residue are likely to be disease-causing. In summary, the currently available evidence indicates that the variant is pathogenic, but additional data are needed to prove that conclusively. Therefore, this variant has been classified as Likely Pathogenic.

Ambry Genetics
Classification: Uncertain significance for Cardiovascular phenotype. Last evaluated: 2024-07-19. Review status: criteria provided, single submitter. Criteria: Ambry Variant Classification Scheme 2023. Collection method: clinical testing. Allele origin: germline.
Comment: The p.R50Q variant (also known as c.149G>A), located in coding exon 3 of the APOB gene, results from a G to A substitution at nucleotide position 149. The arginine at codon 50 is replaced by glutamine, an amino acid with highly similar properties. This alteration segregated in a family with familial hypercholesterolemia (FH) (Elbitar S et al. Sci Rep, 2018 Jan;8:1943). This amino acid position is highly conserved in available vertebrate species. In addition, this alteration is predicted to be tolerated by in silico analysis. Based on the available evidence, the clinical significance of this variant remains unclear.

Cambridge Genomics Laboratory, East Genomic Laboratory Hub, NHS Genomic Medicine Service
Classification: Likely pathogenic for Familial hypercholesterolaemia. Last evaluated: 2024-07-09. Review status: criteria provided, single submitter. Criteria: ACGS Best Practice Guidelines for Variant Classification in Rare Disease 2020. Collection method: clinical testing. Allele origin: germline. Affected: yes.
Comment: The p.Arg50Gln variant is novel (not in any individuals) in gnomAD All. The p.Arg50Gln variant is novel (not in any individuals) in 1kG All. (PM2 - Moderate) | (BP4 - Supporting) | The variant cosegregates with the disease in multiple affected family members. (PP1_Strong - Strong)

Molecular Diagnostic Laboratory for Inherited Cardiovascular Disease, Montreal Heart Institute
Classification: Likely pathogenic for Cardiovascular phenotype. Last evaluated: 2023-12-11. Review status: criteria provided, single submitter. Criteria: ACMG Guidelines, 2015. Collection method: clinical testing. Allele origin: germline. Affected: yes.
Comment: PP1_strong;PM2;PS4_supp;PM5_supp;PP3

Illumina Laboratory Services, Illumina
Classification: Uncertain significance. Last evaluated: 2022-09-27. Review status: criteria provided, single submitter. Criteria: ICSL CNVClassificationCriteria Aug2020. Collection method: clinical testing. Allele origin: unknown. Affected: yes.
Comment: The APOB c.149G>A p.(Arg50Gln) missense variant results in the substitution of arginine at amino acid position 50 with glutamine. This variant has been reported in a heterozygous state in seven related individuals with familial hypercholesterolemia (PMID: 29386597). Another variant at the same amino acid residue has been reported in four related individuals with familial hypercholesterolemia (PMID: 24498611). The c.149G>A variant is not found in version 2.1.1 or version 3.1.2 of the Genome Aggregation Database. Based on the available evidence, the c.149G>A p.(Arg50Gln) variant is classified as a variant of uncertain significance for familial hypercholesterolemia.

Blueprint Genetics
Classification: Pathogenic for APOB-related disorders. Last evaluated: 2020-03-20. Review status: criteria provided, single submitter. Criteria: ACMG Guidelines, 2015. Collection method: clinical testing. Allele origin: germline. Affected: yes. Observed: 2 variant alleles.

Literature cited by the submitters: PubMed 29386597 (cited by 3 submitters); PubMed 24498611 (cited by Labcorp Genetics (formerly Invitae), Labcorp and Illumina Laboratory Services, Illumina).